The following is an entry in ClinVar:

NM_000124.4(ERCC6):c.2766C>A (p.Asn922Lys)

Genes: ERCC6 (ERCC excision repair 6, chromatin remodeling factor; minus strand), LOC126860933 (BRD4-independent group 4 enhancer GRCh37_chr10:50679962-50681161; plus strand). Cytogenetic location: 10q11.23.
Variant type: single nucleotide variant.
Coding change: c.2766C>A on transcript NM_000124.4 (MANE Select); coding-DNA position 2766, C replaced by A.
Protein change: p.Asn922Lys; replaces asparagine 922 with lysine.
Molecular consequence: missense variant.
Genome position (GRCh38, 1-based): chr10:49,472,972, G>T on the plus strand (C>A on the coding strand, the complement: ERCC6 is on the minus strand). VCF-style: chr10-49472972-G-T. GRCh37 (hg19) VCF-style: chr10-50681018-G-T.
Other names: c.2766C>A, p.Asn922Lys (NM_001346440.2); short protein forms N922K.
Identifiers: ClinVar variation 2201940 (VCV002201940.3), dbSNP rs568933083, ClinGen allele CA5495539.

ClinVar aggregate classification (germline): Uncertain significance. Review status: criteria provided, multiple submitters, no conflicts (2 of 4 stars). 2 submissions from 2 submitters: Uncertain significance (2). Last evaluated 2022-05-05.

Conditions:
Cerebrooculofacioskeletal syndrome 1 (COFS1). Also called: Cerebro-oculo-facio-skeletal syndrome 1. Identifiers: MedGen C0220722, MONDO:0008955, OMIM 214150.
Cockayne syndrome type 2 (CSB). Also called: COCKAYNE SYNDROME B; Cockayne Syndrome, Type II. Identifiers: Orphanet 191, Orphanet 90322, MedGen C0751038, MONDO:0019570, OMIM 133540.
Lung cancer. Also called: Malignant tumor of lung; Lung cancer, somatic. Identifiers: MedGen C0242379, MONDO:0008903, OMIM 211980.
UV-sensitive syndrome 1 (UVSS1). Identifiers: Orphanet 178338, MedGen C3551173, MONDO:0010909, OMIM 600630.
DE SANCTIS-CACCHIONE SYNDROME. Identifiers: MedGen C0265201, MONDO:0010217, OMIM 278800.
Age related macular degeneration 5. Identifiers: MedGen C3151063, MONDO:0013409, OMIM 613761.
Premature ovarian failure 11 (POF11). Identifiers: MedGen C4310783, MONDO:0014843, OMIM 616946.

Allele frequency attached by ClinVar (database versions not stated): TOPMed below 0.00001; gnomAD 0.00003; ExAC 0.00005; 1000 Genomes Project 0.00060; 1000 Genomes Project 30x 0.00062.
gnomAD v4.1: 12 of 1,614,128 alleles (0.00074%); highest among the groups gnomAD compares: East Asian, 0.02%; no homozygotes.

Submissions (2):

Labcorp Genetics (formerly Invitae), Labcorp
Classification: Uncertain significance. Last evaluated: 2022-05-05. Review status: criteria provided, single submitter. Criteria: Invitae Variant Classification Sherloc (09022015). Collection method: clinical testing. Allele origin: germline.
Comment: This sequence change replaces asparagine, which is neutral and polar, with lysine, which is basic and polar, at codon 922 of the ERCC6 protein (p.Asn922Lys). This variant is present in population databases (rs568933083, gnomAD 0.05%). This variant has not been reported in the literature in individuals affected with ERCC6-related conditions. Algorithms developed to predict the effect of missense changes on protein structure and function (SIFT, PolyPhen-2, Align-GVGD) all suggest that this variant is likely to be disruptive. In summary, the available evidence is currently insufficient to determine the role of this variant in disease. Therefore, it has been classified as a Variant of Uncertain Significance.

Juno Genomics, Hangzhou Juno Genomics, Inc
Classification: Uncertain significance for DE SANCTIS-CACCHIONE SYNDROME; Lung cancer; Age related macular degeneration 5; Cerebrooculofacioskeletal syndrome 1; Cockayne syndrome type 2; Premature ovarian failure 11; UV-sensitive syndrome 1. Review status: criteria provided, single submitter. Criteria: ACMG Guidelines, 2015. Collection method: clinical testing. Allele origin: germline.
Comment: Absent from controls (or at extremely low frequency if recessive) in Genome Aggregation Database.;Multiple lines of computational evidence support a deleterious effect on the gene or gene product.